The following is an entry in ClinVar:

ClinVar aggregate classification (germline): Uncertain significance (1 of 4 stars; one submission).

gnomAD v4.1: 4 of 1,614,056 alleles (0.00025%); highest among the groups gnomAD compares: Non-Finnish European, 0.00034%; no homozygotes.

Submission:

Labcorp Genetics (formerly Invitae), Labcorp
Classification: Uncertain significance. Last evaluated: 2024-04-02. Review status: criteria provided, single submitter. Criteria: Invitae Variant Classification Sherloc (09022015). Collection method: clinical testing. Allele origin: germline.
Comment: This sequence change replaces serine, which is neutral and polar, with phenylalanine, which is neutral and non-polar, at codon 1584 of the COL4A4 protein (p.Ser1584Phe). This variant is not present in population databases (gnomAD no frequency). This missense change has been observed in individual(s) with Alport syndrome (PMID: 31328266). Advanced modeling of protein sequence and biophysical properties (such as structural, functional, and spatial information, amino acid conservation, physicochemical variation, residue mobility, and thermodynamic stability) performed at Invitae indicates that this missense variant is not expected to disrupt COL4A4 protein function with a negative predictive value of 95%. In summary, the available evidence is currently insufficient to determine the role of this variant in disease. Therefore, it has been classified as a Variant of Uncertain Significance.

Literature cited by the submitters: PubMed 31328266.

NM_000092.5(COL4A4):c.4751C>T (p.Ser1584Phe)

Gene: COL4A4 (collagen type IV alpha 4 chain; minus strand). Cytogenetic location: 2q36.3.
Variant type: single nucleotide variant.
Coding change: c.4751C>T on transcript NM_000092.5 (MANE Select); coding-DNA position 4751, C replaced by T.
Protein change: p.Ser1584Phe; replaces serine 1584 with phenylalanine.
Molecular consequence: missense variant.
Genome position (GRCh38, 1-based): chr2:227,008,076, G>A on the plus strand (C>T on the coding strand, the complement: COL4A4 is on the minus strand). VCF-style: chr2-227008076-G-A. GRCh37 (hg19) VCF-style: chr2-227872792-G-A.
Other names: short protein forms S1584F.
Identifiers: ClinVar variation 3611784 (VCV003611784.2).